The following is an entry in ClinVar:

NM_001481.3(DRC4):c.1279G>C (p.Val427Leu)

Gene: DRC4 (dynein regulatory complex subunit 4; plus strand). Cytogenetic location: 16q24.3.
Variant type: single nucleotide variant.
Coding change: c.1279G>C on transcript NM_001481.3 (MANE Select); coding-DNA position 1279, G replaced by C.
Protein change: p.Val427Leu; replaces valine 427 with leucine.
Molecular consequence: missense variant.
Genome position (GRCh38, 1-based): chr16:90,042,527, G>C. VCF-style: chr16-90042527-G-C. GRCh37 (hg19) VCF-style: chr16-90108935-G-C.
Other names: c.1030G>C, p.Val344Leu (NM_001286205.2); c.703G>C, p.Val235Leu (NM_001286208.2); c.1204G>C, p.Val402Leu (NM_001286209.2); short protein forms V344L, V235L, V402L, V427L.
Identifiers: ClinVar variation 2739384 (VCV002739384.3), dbSNP rs1029691841, ClinGen allele CA397472067.

ClinVar aggregate classification (germline): Uncertain significance (1 of 4 stars; one submission).

Conditions:
Primary ciliary dyskinesia 33. Also called: CILIARY DYSKINESIA, PRIMARY, 33, WITHOUT SITUS INVERSUS. Identifiers: Orphanet 244, MedGen C4225230, MONDO:0014750, OMIM 616726.

gnomAD v4.1: 4 of 1,613,596 alleles (0.00025%); highest among the groups gnomAD compares: Non-Finnish European, 0.00034%; no homozygotes.

Submission:

Labcorp Genetics (formerly Invitae), Labcorp
Classification: Uncertain significance for Primary ciliary dyskinesia 33. Last evaluated: 2023-09-09. Review status: criteria provided, single submitter. Criteria: Invitae Variant Classification Sherloc (09022015). Collection method: clinical testing. Allele origin: germline.
Comment: This sequence change replaces valine, which is neutral and non-polar, with leucine, which is neutral and non-polar, at codon 427 of the GAS8 protein (p.Val427Leu). This variant is not present in population databases (gnomAD no frequency). This variant has not been reported in the literature in individuals affected with GAS8-related conditions. Advanced modeling of protein sequence and biophysical properties (such as structural, functional, and spatial information, amino acid conservation, physicochemical variation, residue mobility, and thermodynamic stability) performed at Invitae indicates that this missense variant is not expected to disrupt GAS8 protein function. Algorithms developed to predict the effect of sequence changes on RNA splicing suggest that this variant may disrupt the consensus splice site. In summary, the available evidence is currently insufficient to determine the role of this variant in disease. Therefore, it has been classified as a Variant of Uncertain Significance.